The following is an entry in ClinVar:

NM_000804.4(FOLR3):c.117C>T (p.Asn39=)

Gene: FOLR3 (folate receptor gamma; plus strand). Cytogenetic location: 11q13.4.
Variant type: single nucleotide variant.
Coding change: c.117C>T on transcript NM_000804.4 (MANE Select); coding-DNA position 117, C replaced by T.
Protein change: p.Asn39=; no amino-acid change (asparagine 39 retained).
Molecular consequence: synonymous variant. On other transcripts: non-coding transcript variant (1).
Genome position (GRCh38, 1-based): chr11:72,136,069, C>T. VCF-style: chr11-72136069-C-T. GRCh37 (hg19) VCF-style: chr11-71847115-C-T.
Other names: c.-285C>T (NM_001318045.2); c.117C>T, p.Asn39= (NM_001412270.1).
Identifiers: ClinVar variation 3053561 (VCV003053561.2), dbSNP rs377615092, ClinGen allele CA6168835.
Genomic context (GRCh38, chr11:72,136,069, plus strand): 5'-GGGGAGTGCCCAGCCCAGGAGTGCGCGGGCCAGGACGGACCTGCTCAATGTCTGCATGAA[C>T]GCCAAGCACCACAAGACACAGCCCAGCCCCGAGGACGAGCTGTATGGCCAGGTGAGGGCA-3'
Protein context (NP_000795.2, residues 29-49): ARTDLLNVCM[Asn39=]AKHHKTQPSP

ClinVar aggregate classification (germline): Likely benign (0 of 4 stars; one submission).

Conditions:
FOLR3-related disorder. Also called: FOLR3-related condition.

Allele frequency attached by ClinVar (database versions not stated): ExAC 0.00057; 1000 Genomes Project 0.00160; gnomAD 0.00176; ESP Exome Variant Server 0.00193; 1000 Genomes Project 30x 0.00203; TOPMed 0.00207.

Submission:

PreventionGenetics, part of Exact Sciences
Classification: Likely benign for FOLR3-related condition. Last evaluated: 2019-03-25. Review status: no assertion criteria provided. Collection method: clinical testing. Allele origin: germline.
Comment: This variant is classified as likely benign based on ACMG/AMP sequence variant interpretation guidelines (Richards et al. 2015 PMID: 25741868, with internal and published modifications).